The following is an entry in ClinVar:

NM_015272.5(RPGRIP1L):c.611C>A (p.Ala204Asp)

Gene: RPGRIP1L (RPGRIP1 like; minus strand). Cytogenetic location: 16q12.2.
Variant type: single nucleotide variant.
Coding change: c.611C>A on transcript NM_015272.5 (MANE Select); coding-DNA position 611, C replaced by A.
Protein change: p.Ala204Asp; replaces alanine 204 with aspartic acid.
Molecular consequence: missense variant.
Genome position (GRCh38, 1-based): chr16:53,687,884, G>T on the plus strand (C>A on the coding strand, the complement: RPGRIP1L is on the minus strand). VCF-style: chr16-53687884-G-T. GRCh37 (hg19) VCF-style: chr16-53721796-G-T.
Other names: c.611C>A, p.Ala204Asp (NM_001127897.4, NM_001308334.3, NM_001330538.2); short protein forms A204D.
Identifiers: ClinVar variation 865839 (VCV000865839.5), dbSNP rs769611947, ClinGen allele CA281372279.

ClinVar aggregate classification (germline): Uncertain significance. Review status: criteria provided, multiple submitters, no conflicts (2 of 4 stars). 3 submissions from 3 submitters: Uncertain significance (3). Last evaluated 2024-05-08.

Conditions:
COACH syndrome 3. Identifiers: MedGen C5436841, MONDO:0030862, OMIM 619113.
Meckel syndrome, type 5 (MKS5). Identifiers: Orphanet 564, MedGen C1969052, MONDO:0012695, OMIM 611561.
Joubert syndrome 7 (JBTS7). Identifiers: Orphanet 220497, MedGen C1969053, MONDO:0012694, OMIM 611560.
Joubert syndrome. Also called: JOUBERT-BOLTSHAUSER SYNDROME; Familial aplasia of the vermis. Identifiers: Orphanet 475, MedGen C5979921, MONDO:0018772.
Meckel-Gruber syndrome. Also called: Dysencephalia splachnocystica; GRUBER SYNDROME; DYSENCEPHALIA SPLANCHNOCYSTICA. Identifiers: Orphanet 564, MedGen C0265215, MONDO:0018921.

Allele frequency attached by ClinVar (database versions not stated): gnomAD 0.00001; TOPMed 0.00002.

Submissions (3):

Blueprint Genetics
Classification: Uncertain significance. Last evaluated: 2024-05-08. Review status: criteria provided, single submitter. Criteria: ACMG Guidelines, 2015. Collection method: clinical testing. Allele origin: germline.

Labcorp Genetics (formerly Invitae), Labcorp
Classification: Uncertain significance for Joubert syndrome; Meckel-Gruber syndrome. Last evaluated: 2022-08-08. Review status: criteria provided, single submitter. Criteria: Invitae Variant Classification Sherloc (09022015). Collection method: clinical testing. Allele origin: germline.
Comment: This sequence change replaces alanine, which is neutral and non-polar, with aspartic acid, which is acidic and polar, at codon 204 of the RPGRIP1L protein (p.Ala204Asp). This variant is present in population databases (no rsID available, gnomAD 0.0009%). This variant has not been reported in the literature in individuals affected with RPGRIP1L-related conditions. ClinVar contains an entry for this variant (Variation ID: 865839). Algorithms developed to predict the effect of missense changes on protein structure and function are either unavailable or do not agree on the potential impact of this missense change (SIFT: "Tolerated"; PolyPhen-2: "Probably Damaging"; Align-GVGD: "Class C0"). In summary, the available evidence is currently insufficient to determine the role of this variant in disease. Therefore, it has been classified as a Variant of Uncertain Significance.

Fulgent Genetics
Classification: Uncertain significance for Joubert syndrome 7; Meckel syndrome, type 5; COACH syndrome 3. Last evaluated: 2021-11-30. Review status: criteria provided, single submitter. Criteria: ACMG Guidelines, 2015. Collection method: clinical testing. Allele origin: unknown.